The following is an entry in ClinVar:

NM_080680.3(COL11A2):c.1683T>A (p.Asp561Glu)

Gene: COL11A2 (collagen type XI alpha 2 chain; minus strand). Cytogenetic location: 6p21.32.
Variant type: single nucleotide variant.
Coding change: c.1683T>A on transcript NM_080680.3 (MANE Select); coding-DNA position 1683, T replaced by A.
Protein change: p.Asp561Glu; replaces aspartic acid 561 with glutamic acid.
Molecular consequence: missense variant.
Genome position (GRCh38, 1-based): chr6:33,178,715, A>T on the plus strand (T>A on the coding strand, the complement: COL11A2 is on the minus strand). VCF-style: chr6-33178715-A-T. GRCh37 (hg19) VCF-style: chr6-33146492-A-T.
Other names: c.1503T>A, p.Asp501Glu (NM_001424108.1); c.837T>A, p.Asp279Glu (NM_001424109.1); c.657T>A, p.Asp219Glu (NM_001424110.1, NM_001424111.1); c.1362T>A, p.Asp454Glu (NM_080679.3); c.1425T>A, p.Asp475Glu (NM_080681.3); short protein forms D475E, D561E, D219E, D454E, D279E, D501E.
Identifiers: ClinVar variation 2866671 (VCV002866671.3), dbSNP rs746439381, ClinGen allele CA3751250.

ClinVar aggregate classification (germline): Uncertain significance (1 of 4 stars; one submission).

Allele frequency attached by ClinVar (database versions not stated): ExAC 0.00001.

Submission:

Labcorp Genetics (formerly Invitae), Labcorp
Classification: Uncertain significance. Last evaluated: 2023-05-21. Review status: criteria provided, single submitter. Criteria: Invitae Variant Classification Sherloc (09022015). Collection method: clinical testing. Allele origin: germline.
Comment: In summary, the available evidence is currently insufficient to determine the role of this variant in disease. Therefore, it has been classified as a Variant of Uncertain Significance. Advanced modeling of protein sequence and biophysical properties (such as structural, functional, and spatial information, amino acid conservation, physicochemical variation, residue mobility, and thermodynamic stability) performed at Invitae indicates that this missense variant is not expected to disrupt COL11A2 protein function. This variant has not been reported in the literature in individuals affected with COL11A2-related conditions. This variant is present in population databases (rs746439381, gnomAD 0.0009%). This sequence change replaces aspartic acid, which is acidic and polar, with glutamic acid, which is acidic and polar, at codon 561 of the COL11A2 protein (p.Asp561Glu).